The following is an entry in ClinVar:

NM_000478.6(ALPL):c.106A>C (p.Thr36Pro)

Gene: ALPL (alkaline phosphatase, biomineralization associated; plus strand). Cytogenetic location: 1p36.12.
Variant type: single nucleotide variant.
Coding change: c.106A>C on transcript NM_000478.6 (MANE Select); coding-DNA position 106, A replaced by C.
Protein change: p.Thr36Pro; replaces threonine 36 with proline.
Molecular consequence: missense variant. On other transcripts: 5 prime UTR variant (2).
Genome position (GRCh38, 1-based): chr1:21,560,670, A>C. VCF-style: chr1-21560670-A-C. GRCh37 (hg19) VCF-style: chr1-21887163-A-C.
Other names: c.106A>C (NM_000478.5); c.-60A>C (NM_001127501.4); c.-10A>C (NM_001177520.3); c.106A>C, p.Thr36Pro (NM_001369803.2, NM_001369804.2, NM_001369805.2); short protein forms T36P.
Identifiers: ClinVar variation 1334401 (VCV001334401.10), dbSNP rs747167000, ClinGen allele CA338877523.
Genomic context (GRCh38, chr1:21,560,670, plus strand): 5'-CTCTCTCTGTGTTTAGAGAAAGAGAAAGACCCCAAGTACTGGCGAGACCAAGCGCAAGAG[A>C]CACTGAAATATGCCCTGGAGCTTCAGAAGCTCAACACCAACGTGGCTAAGAATGTCATCA-3'
Protein context (NP_000469.3, residues 26-46): PKYWRDQAQE[Thr36Pro]LKYALELQKL

ClinVar aggregate classification (germline): Conflicting classifications of pathogenicity. Review status: criteria provided, conflicting classifications (1 of 4 stars). 5 submissions from 5 submitters: Likely pathogenic (4); Uncertain significance (1). Last evaluated 2026-09-01.

Conditions:
Hypophosphatasia. Also called: Phosphoethanol-aminuria. Identifiers: Orphanet 436, MedGen C0020630, MeSH D007014, MONDO:0018570.
Hypophosphataemia or rickets.
ALPL-related disorder. Also called: ALPL-related disorders; ALPL-related condition.

Allele frequency attached by ClinVar (database versions not stated): gnomAD exomes 0.00001.
gnomAD v4.1: 20 of 1,614,156 alleles (0.0012%); highest among the groups gnomAD compares: Non-Finnish European, 0.0017%; no homozygotes.

Submissions (5):

Genomenon, Inc
Classification: Likely pathogenic for Hypophosphatasia. Last evaluated: 2026-09-01. Review status: criteria provided, single submitter. Criteria: Genomenon Sequence Variant Interpretation Standards - Updated. Collection method: curation. Allele origin: germline. Affected: yes.
Comment: ALPL p.Thr36Pro (c.106A>C) is a missense variant that changes the amino acid at codon 36 from Threonine to Proline. This variant has been observed in at least one proband affected with an ALPL-related disorder (PMID:32973344). At least one functional study has demonstrated a substantial alteration in protein function relative to the wild-type (PMID:40386289). It is absent or not present at a significant frequency in gnomAD. In silico models predict that this variant is possibly or probably damaging. In conclusion, we classify ALPL p.Thr36Pro (c.106A>C) as a likely pathogenic variant.

Cambridge Genomics Laboratory, East Genomic Laboratory Hub, NHS Genomic Medicine Service
Classification: Likely pathogenic for Hypophosphataemia or rickets. Last evaluated: 2026-03-05. Review status: criteria provided, single submitter. Criteria: ACGS Best Practice Guidelines for Variant Classification in Rare Disease 2020. Collection method: clinical testing. Allele origin: germline. Affected: yes.
Comment: PS3_Moderate,PM2_Supporting,PM3,PP3

Labcorp Genetics (formerly Invitae), Labcorp
Classification: Likely pathogenic. Last evaluated: 2026-01-25. Review status: criteria provided, single submitter. Criteria: Invitae Variant Classification Sherloc (09022015). Collection method: clinical testing. Allele origin: germline.
Comment: This sequence change replaces threonine, which is neutral and polar, with proline, which is neutral and non-polar, at codon 36 of the ALPL protein (p.Thr36Pro). This variant is not present in population databases (gnomAD no frequency). This missense change has been observed in individuals with hypophosphatasia (PMID: 32160374, 32973344). ClinVar contains an entry for this variant (Variation ID: 1334401). Invitae Evidence Modeling of protein sequence and biophysical properties (such as structural, functional, and spatial information, amino acid conservation, physicochemical variation, residue mobility, and thermodynamic stability) indicates that this missense variant is expected to disrupt ALPL protein function with a positive predictive value of 95%. In summary, the currently available evidence indicates that the variant is pathogenic, but additional data are needed to prove that conclusively. Therefore, this variant has been classified as Likely Pathogenic.

PreventionGenetics, part of Exact Sciences
Classification: Uncertain significance for ALPL-related condition. Last evaluated: 2022-12-05. Review status: criteria provided, single submitter. Criteria: ACMG Guidelines, 2015. Collection method: clinical testing. Allele origin: germline.
Comment: The ALPL c.106A>C variant is predicted to result in the amino acid substitution p.Thr36Pro. This variant was reported in the homozygous state in a case of perinatal lethal hypophosphatasia (HPP) (Table S2, Del Angel et al. 2020. PubMed ID: 32160374; Supplementary table, Mornet et al. 2021. PubMed ID: 32973344). This variant has not been reported in a large population database, indicating this variant is rare. In ClinVar, it is reported to result in reduced ALPL activity by a submitter; however, these molecular and functional data are unavailable for review, nor have they been peer reviewed. Although we suspect that this variant may be pathogenic, at this time, the clinical significance of this variant is uncertain due to the absence of conclusive functional and genetic evidence.

JKU Lab, Dept of Paediatrics, Johannes Kepler University
Classification: Likely pathogenic for Hypophosphatasia. Last evaluated: 2021-12-16. Review status: criteria provided, single submitter. Criteria: ACMG Classification. Collection method: clinical testing. Allele origin: germline. Affected: yes. Observed: 1 homozygote.
Comment: This variant is absent from large population studies. Functional studies performed at the JKU Hoegler lab showed reduced ALPL activity. ACMG Criteria used for classification: PS3_Mod, PM2_Sup, PM3_Sup, PP2_Sup, PP3_Sup, PP4_Sup.

Literature cited by the submitters: PubMed 32973344 (cited by 3 submitters); PubMed 40386289 (cited by Genomenon, Inc); PubMed 32160374 (cited by Labcorp Genetics (formerly Invitae), Labcorp and JKU Lab, Dept of Paediatrics, Johannes Kepler University).